The following is an entry in ClinVar:

NM_001368894.2(PAX6):c.399+4A>T

Gene: PAX6 (paired box 6; minus strand). Cytogenetic location: 11p13.
Variant type: single nucleotide variant.
Coding change: c.399+4A>T on transcript NM_001368894.2 (MANE Select); 4 bases into the intron after coding-DNA position 399, A replaced by T.
Molecular consequence: intron variant. On other transcripts: 5 prime UTR variant (3).
Genome position (GRCh38, 1-based): chr11:31,801,557, T>A on the plus strand (A>T on the coding strand, the complement: PAX6 is on the minus strand). VCF-style: chr11-31801557-T-A. GRCh37 (hg19) VCF-style: chr11-31823105-T-A.
Other names: c.-379A>T (NM_001310160.2, NM_001368902.2, NM_001368905.2); c.357+4A>T (NM_001127612.3, NM_001368890.2, NM_001368888.2 and 10 more transcripts); c.198+205A>T (NM_001368921.2, NM_001368923.2, NM_001368926.2 and 4 more transcripts); c.399+4A>T (NM_001258462.3, NM_001310158.2, NM_001258463.2 and 6 more transcripts); c.474+4A>T (NM_001368919.2, NM_001368918.2); c.600+4A>T (NM_001368910.2); c.-52+4A>T (NM_001368909.2, NM_001368904.2, NM_001368906.2 and 8 more transcripts); c.402+4A>T (NM_001368911.2); and 2 more.
Identifiers: ClinVar variation 460459 (VCV000460459.8), dbSNP rs1554985282, ClinGen allele CA658658046.
Genomic context (GRCh38, chr11:31,801,557, plus strand): 5'-GGAGGTAAAGAGGAGAGAGCATTGGGCTTAGGGCAGGGAGGGCAGATGTTCTCAATGAAC[T>A]TACGCTTGGTATGTTATCGTTGGTACAGACCCCCTCGGACAGTAATCTGTCTCGGATTTC-3'

ClinVar aggregate classification (germline): Pathogenic (1 of 4 stars; one submission).

Conditions:
Aniridia 1 (AN1). Identifiers: Orphanet 250923, MedGen C0344542, MONDO:0024507, OMIM 106210.
Irido-corneo-trabecular dysgenesis (ASGD5). Also called: ANTERIOR SEGMENT DYSGENESIS 5. Identifiers: Orphanet 708, MedGen C0344559, MONDO:0011414, OMIM 604229, HP:0000659.

Submission:

Labcorp Genetics (formerly Invitae), Labcorp
Classification: Pathogenic for Aniridia 1; Irido-corneo-trabecular dysgenesis. Last evaluated: 2017-08-01. Review status: criteria provided, single submitter. Criteria: Invitae Variant Classification Sherloc (09022015). Collection method: clinical testing. Allele origin: germline.
Comment: For these reasons, this variant has been classified as Pathogenic. Nucleotide substitutions within the consensus splice site are relatively common causes of aberrant splicing (PMID: 17576681, 9536098). Algorithms developed to predict the effect of sequence changes on RNA splicing suggest that this variant may disrupt the consensus splice site, but this prediction has not been confirmed by published transcriptional studies. This variant has not been reported in the literature in individuals with a PAX6-related disease. This variant is not present in population databases (ExAC no frequency). This sequence change falls in intron 6 of the PAX6 gene. It does not directly change the encoded amino acid sequence of the PAX6 protein, but it affects a nucleotide within the consensus splice site of the intron.

Literature cited by the submitters: PubMed 17576681; PubMed 9536098.